The following is an entry in ClinVar:

ClinVar aggregate classification (germline): Uncertain significance (1 of 4 stars; one submission).

Allele frequency attached by ClinVar (database versions not stated): gnomAD 0.00002; TOPMed 0.00002; ESP Exome Variant Server 0.00008.

Submission:

Labcorp Genetics (formerly Invitae), Labcorp
Classification: Uncertain significance. Last evaluated: 2025-08-08. Review status: criteria provided, single submitter. Criteria: Invitae Variant Classification Sherloc (09022015). Collection method: clinical testing. Allele origin: germline.
Comment: This sequence change replaces leucine, which is neutral and non-polar, with phenylalanine, which is neutral and non-polar, at codon 280 of the ATR protein (p.Leu280Phe). This variant is present in population databases (rs377699114, gnomAD 0.01%). This variant has not been reported in the literature in individuals affected with ATR-related conditions. ClinVar contains an entry for this variant (Variation ID: 1369896). An algorithm developed to predict the effect of missense changes on protein structure and function (PolyPhen-2) suggests that this variant is likely to be tolerated. In summary, the available evidence is currently insufficient to determine the role of this variant in disease. Therefore, it has been classified as a Variant of Uncertain Significance.

NM_001184.4(ATR):c.838C>T (p.Leu280Phe)

Gene: ATR (ATR checkpoint kinase; minus strand). Cytogenetic location: 3q23.
Variant type: single nucleotide variant.
Coding change: c.838C>T on transcript NM_001184.4 (MANE Select); coding-DNA position 838, C replaced by T.
Protein change: p.Leu280Phe; replaces leucine 280 with phenylalanine.
Molecular consequence: missense variant.
Genome position (GRCh38, 1-based): chr3:142,562,564, G>A on the plus strand (C>T on the coding strand, the complement: ATR is on the minus strand). VCF-style: chr3-142562564-G-A. GRCh37 (hg19) VCF-style: chr3-142281406-G-A.
Other names: c.838C>T, p.Leu280Phe (NM_001354579.2); short protein forms L280F.
Identifiers: ClinVar variation 1369896 (VCV001369896.5), dbSNP rs377699114, ClinGen allele CA2650718.